The following is an entry in ClinVar:

NM_002180.3(IGHMBP2):c.1737C>T (p.Phe579=)

Gene: IGHMBP2 (immunoglobulin mu DNA binding protein 2; plus strand). Cytogenetic location: 11q13.3.
Variant type: single nucleotide variant.
Coding change: c.1737C>T on transcript NM_002180.3 (MANE Select); coding-DNA position 1737, C replaced by T.
Protein change: p.Phe579=; no amino-acid change (phenylalanine 579 retained).
Molecular consequence: synonymous variant.
Genome position (GRCh38, 1-based): chr11:68,935,403, C>T. VCF-style: chr11-68935403-C-T. GRCh37 (hg19) VCF-style: chr11-68702871-C-T.
Identifiers: ClinVar variation 285838 (VCV000285838.60), dbSNP rs368775789, ClinGen allele CA6153749.

ClinVar aggregate classification (germline): Conflicting classifications of pathogenicity. Review status: criteria provided, conflicting classifications (1 of 4 stars). 6 submissions from 6 submitters: Uncertain significance (2); Likely benign (4). Last evaluated 2025-09-02.

Conditions:
IGHMBP2-related disorder. Also called: IGHMBP2-related condition; IGHMBP2-related disorders.
Inborn genetic diseases. Identifiers: MedGen C0950123, MeSH D030342.
Charcot-Marie-Tooth disease axonal type 2S. Also called: CHARCOT-MARIE-TOOTH DISEASE, AXONAL, AUTOSOMAL RECESSIVE, TYPE 2S; CHARCOT-MARIE-TOOTH NEUROPATHY, TYPE 2S. Identifiers: Orphanet 443073, MedGen C4015349, MONDO:0014511, OMIM 616155.
Autosomal recessive distal spinal muscular atrophy 1. Also called: SEVERE INFANTILE AXONAL NEUROPATHY WITH RESPIRATORY FAILURE; SPINAL MUSCULAR ATROPHY, DIAPHRAGMATIC; Spinal muscular atrophy with respiratory distress 1; NEURONOPATHY, DISTAL HEREDITARY MOTOR, HARDING TYPE VI; NEUROPATHY, DISTAL HEREDITARY MOTOR, AUTOSOMAL RECESSIVE 1; HMN VI. Identifiers: Orphanet 98920, MedGen C1858517, MONDO:0011436, OMIM 604320.

Allele frequency attached by ClinVar (database versions not stated): ExAC 0.00003; gnomAD exomes 0.00003; TOPMed 0.00003; gnomAD 0.00004; ESP Exome Variant Server 0.00015.
gnomAD v4.1: 52 of 1,613,994 alleles (0.0032%); highest among the groups gnomAD compares: Middle Eastern, 0.016%; no homozygotes.

Submissions (6):

Labcorp Genetics (formerly Invitae), Labcorp
Classification: Likely benign for Autosomal recessive distal spinal muscular atrophy 1; Charcot-Marie-Tooth disease axonal type 2S. Last evaluated: 2025-09-02. Review status: criteria provided, single submitter. Criteria: Invitae Variant Classification Sherloc (09022015). Collection method: clinical testing. Allele origin: germline.

PreventionGenetics, part of Exact Sciences
Classification: Likely benign for IGHMBP2-related condition. Last evaluated: 2025-03-22. Review status: criteria provided, single submitter. Criteria: ACMG Guidelines, 2015. Collection method: clinical testing. Allele origin: germline.
Comment: This variant is classified as likely benign based on ACMG/AMP sequence variant interpretation guidelines (Richards et al. 2015 PMID: 25741868, with internal and published modifications).

Ambry Genetics
Classification: Likely benign for Inborn genetic diseases. Last evaluated: 2019-07-11. Review status: criteria provided, single submitter. Criteria: Ambry Variant Classification Scheme 2023. Collection method: clinical testing. Allele origin: germline.

GeneDx
Classification: Likely benign. Last evaluated: 2017-09-29. Review status: criteria provided, single submitter. Criteria: GeneDx Variant Classification (06012015). Collection method: clinical testing. Allele origin: germline. Affected: yes.
Comment: This variant is considered likely benign or benign based on one or more of the following criteria: it is a conservative change, it occurs at a poorly conserved position in the protein, it is predicted to be benign by multiple in silico algorithms, and/or has population frequency not consistent with disease.

CeGaT Center for Human Genetics Tuebingen
Classification: Uncertain significance. Last evaluated: 2017-03-01. Review status: criteria provided, single submitter. Criteria: CeGaT Center For Human Genetics Tuebingen Variant Classification Criteria Version 2. Collection method: clinical testing. Allele origin: germline. Affected: yes. Observed: 1 variant allele.

Eurofins Ntd Llc (ga)
Classification: Uncertain significance. Last evaluated: 2016-02-04. Review status: criteria provided, single submitter. Criteria: EGL Classification Definitions 2015. Collection method: clinical testing. Allele origin: germline. Observed: 1 variant allele, 1 heterozygote.